The following is an entry in ClinVar:

NM_006929.5(SKIC2):c.3643C>T (p.Arg1215Cys)

Gene: SKIC2 (SKI2 subunit of superkiller complex; plus strand). Cytogenetic location: 6p21.33.
Variant type: single nucleotide variant.
Coding change: c.3643C>T on transcript NM_006929.5 (MANE Select); coding-DNA position 3643, C replaced by T.
Protein change: p.Arg1215Cys; replaces arginine 1215 with cysteine.
Molecular consequence: missense variant.
Genome position (GRCh38, 1-based): chr6:31,969,617, C>T. VCF-style: chr6-31969617-C-T. GRCh37 (hg19) VCF-style: chr6-31937394-C-T.
Other names: short protein forms R1215C.
Identifiers: ClinVar variation 1351832 (VCV001351832.5), dbSNP rs755655461, ClinGen allele CA3730106.

ClinVar aggregate classification (germline): Uncertain significance (1 of 4 stars; one submission).

Allele frequency attached by ClinVar (database versions not stated): gnomAD exomes below 0.00001 and 0.00001; TOPMed below 0.00001; ExAC 0.00001.
gnomAD v4.1: 6 of 1,612,896 alleles (0.00037%); highest among the groups gnomAD compares: Non-Finnish European, 0.00034%; no homozygotes.

Submission:

Labcorp Genetics (formerly Invitae), Labcorp
Classification: Uncertain significance. Last evaluated: 2021-08-28. Review status: criteria provided, single submitter. Criteria: Invitae Variant Classification Sherloc (09022015). Collection method: clinical testing. Allele origin: germline.
Comment: This sequence change replaces arginine with cysteine at codon 1215 of the SKIV2L protein (p.Arg1215Cys). The arginine residue is moderately conserved and there is a large physicochemical difference between arginine and cysteine. This variant is present in population databases (rs755655461, ExAC 0.002%). This variant has not been reported in the literature in individuals affected with SKIV2L-related conditions. Algorithms developed to predict the effect of missense changes on protein structure and function are either unavailable or do not agree on the potential impact of this missense change (SIFT: "Tolerated"; PolyPhen-2: "Probably Damaging"; Align-GVGD: "Class C0"). In summary, the available evidence is currently insufficient to determine the role of this variant in disease. Therefore, it has been classified as a Variant of Uncertain Significance.